The following is an entry in ClinVar:

ClinVar aggregate classification (germline): Uncertain significance (1 of 4 stars; one submission).

Conditions:
Hereditary cancer-predisposing syndrome. Also called: Neoplastic Syndromes, Hereditary; Tumor predisposition; Hereditary Cancer Syndrome; Hereditary neoplastic syndrome. Identifiers: Orphanet 140162, MedGen C0027672, MeSH D009386, MONDO:0015356.

Submission:

Ambry Genetics
Classification: Uncertain significance for Hereditary cancer-predisposing syndrome. Last evaluated: 2025-12-22. Review status: criteria provided, single submitter. Criteria: Ambry Variant Classification Scheme 2023. Collection method: clinical testing. Allele origin: germline.
Comment: The p.V429L variant (also known as c.1285G>T), located in coding exon 4 of the MSH6 gene, results from a G to T substitution at nucleotide position 1285. The valine at codon 429 is replaced by leucine, an amino acid with highly similar properties. This amino acid position is conserved. In addition, this alteration is predicted to be deleterious by in silico analysis. Based on the available evidence, the clinical significance of this variant remains unclear.

NM_000179.3(MSH6):c.1285G>T (p.Val429Leu)

Gene: MSH6 (mutS homolog 6; plus strand). Cytogenetic location: 2p16.3.
Variant type: single nucleotide variant.
Coding change: c.1285G>T on transcript NM_000179.3 (MANE Select); coding-DNA position 1285, G replaced by T.
Protein change: p.Val429Leu; replaces valine 429 with leucine.
Molecular consequence: missense variant. On other transcripts: non-coding transcript variant (4), intron variant (1).
Genome position (GRCh38, 1-based): chr2:47,799,268, G>T. VCF-style: chr2-47799268-G-T. GRCh37 (hg19) VCF-style: chr2-48026407-G-T.
Other names: c.988G>T, p.Val330Leu (NM_001406819.1, NM_001406820.1, NM_001406821.1 and 10 more transcripts); c.379G>T, p.Val127Leu (NM_001406823.1, NM_001281494.2, NM_001406814.1 and 6 more transcripts); c.1381G>T, p.Val461Leu (NM_001406795.1, NM_001406802.1); c.1285G>T, p.Val429Leu (NM_001406796.1, NM_001406798.1, NM_001406800.1 and 4 more transcripts); c.760G>T, p.Val254Leu (NM_001406799.1, NM_001406806.1, NM_001406807.1); c.1291G>T, p.Val431Leu (NM_001406813.1); c.1117G>T, p.Val373Leu (NM_001406826.1); c.628-1398G>T (NM_001407362.1); and 2 more; short protein forms V330L, V403L, V254L, V299L, V429L, V431L, V127L, V373L.
Identifiers: ClinVar variation 4843690 (VCV004843690.1).